The following is an entry in ClinVar:

NM_001111.5(ADAR):c.1281A>G (p.Pro427=)

Gene: ADAR (adenosine deaminase RNA specific; minus strand). Cytogenetic location: 1q21.3.
Variant type: single nucleotide variant.
Coding change: c.1281A>G on transcript NM_001111.5 (MANE Select); coding-DNA position 1281, A replaced by G.
Protein change: p.Pro427=; no amino-acid change (proline 427 retained).
Molecular consequence: synonymous variant.
Genome position (GRCh38, 1-based): chr1:154,601,361, T>C on the plus strand (A>G on the coding strand, the complement: ADAR is on the minus strand). VCF-style: chr1-154601361-T-C. GRCh37 (hg19) VCF-style: chr1-154573837-T-C.
Other names: c.396A>G, p.Pro132= (NM_001025107.3, NM_001193495.2, NM_001365046.1 and 3 more transcripts); c.1308A>G, p.Pro436= (NM_001365045.1); c.1281A>G, p.Pro427= (NM_015840.4, NM_015841.4); c.1281A>G (NM_001111.4).
Identifiers: ClinVar variation 1572907 (VCV001572907.10), dbSNP rs147766807, ClinGen allele CA1131568.

ClinVar aggregate classification (germline): Likely benign. Review status: criteria provided, single submitter (1 of 4 stars). 2 submissions from 2 submitters: Likely benign (1). 1 of the submissions does not count toward it. Last evaluated 2022-07-26.

Conditions:
Aicardi-Goutieres syndrome 6 (AGS6). Identifiers: Orphanet 51, MedGen C3539013, MONDO:0014007, OMIM 615010.
Symmetrical dyschromatosis of extremities (DSH). Also called: DYSCHROMATOSIS SYMMETRICA HEREDITARIA 1; RETICULATE ACROPIGMENTATION OF DOHI; SYMMETRIC DYSCHROMATOSIS OF THE EXTREMITIES; Dyschromatosis symmetrica hereditaria. Identifiers: Orphanet 41, MedGen C0406775, MONDO:0007483, OMIM 127400.
ADAR-related disorder. Also called: ADAR-related disorders; ADAR-related condition.

Allele frequency attached by ClinVar (database versions not stated): gnomAD exomes below 0.00001; ExAC 0.00001; gnomAD 0.00001; 1000 Genomes Project 30x 0.00016; 1000 Genomes Project 0.00020.
gnomAD v4.1: 3 of 1,614,278 alleles (0.00019%); highest among the groups gnomAD compares: East Asian, 0.0022%; no homozygotes.

Submissions (2):

Labcorp Genetics (formerly Invitae), Labcorp
Classification: Likely benign for Aicardi-Goutieres syndrome 6; Symmetrical dyschromatosis of extremities. Last evaluated: 2022-07-26. Review status: criteria provided, single submitter. Criteria: Invitae Variant Classification Sherloc (09022015). Collection method: clinical testing. Allele origin: germline.

PreventionGenetics, part of Exact Sciences
Classification: Likely benign for ADAR-related condition. Last evaluated: 2023-07-07. Review status: no assertion criteria provided. Collection method: clinical testing. Allele origin: germline. Not counted in ClinVar's aggregate classification.
Comment: This variant is classified as likely benign based on ACMG/AMP sequence variant interpretation guidelines (Richards et al. 2015 PMID: 25741868, with internal and published modifications).